The following is an entry in ClinVar:

ClinVar aggregate classification (germline): Uncertain significance (1 of 4 stars; one submission).

Conditions:
Congenital sideroblastic anemia-B-cell immunodeficiency-periodic fever-developmental delay syndrome. Also called: Sideroblastic anemia with B-cell immunodeficiency, periodic fevers, and developmental delay. Identifiers: Orphanet 369861, MedGen C4015172, MONDO:0014487, OMIM 616084.

gnomAD v4.1: 1 of 1,613,938 alleles (0.000062%); highest among the groups gnomAD compares: Non-Finnish European, 0.000085%; no homozygotes.

Submission:

Labcorp Genetics (formerly Invitae), Labcorp
Classification: Uncertain significance for Congenital sideroblastic anemia-B-cell immunodeficiency-periodic fever-developmental delay syndrome. Last evaluated: 2025-08-15. Review status: criteria provided, single submitter. Criteria: Invitae Variant Classification Sherloc (09022015). Collection method: clinical testing. Allele origin: germline.
Comment: This sequence change replaces leucine, which is neutral and non-polar, with isoleucine, which is neutral and non-polar, at codon 299 of the TRNT1 protein (p.Leu299Ile). This variant is not present in population databases (gnomAD no frequency). This variant has not been reported in the literature in individuals affected with TRNT1-related conditions. ClinVar contains an entry for this variant (Variation ID: 1714263). Invitae Evidence Modeling of protein sequence and biophysical properties (such as structural, functional, and spatial information, amino acid conservation, physicochemical variation, residue mobility, and thermodynamic stability) has been performed for this missense variant. However, the output from this modeling did not meet the statistical confidence thresholds required to predict the impact of this variant on TRNT1 protein function. In summary, the available evidence is currently insufficient to determine the role of this variant in disease. Therefore, it has been classified as a Variant of Uncertain Significance.

NM_182916.3(TRNT1):c.895T>A (p.Leu299Ile)

Gene: TRNT1 (tRNA nucleotidyl transferase 1; plus strand). Cytogenetic location: 3p26.2.
Variant type: single nucleotide variant.
Coding change: c.895T>A on transcript NM_182916.3 (MANE Select); coding-DNA position 895, T replaced by A.
Protein change: p.Leu299Ile; replaces leucine 299 with isoleucine.
Molecular consequence: missense variant. On other transcripts: non-coding transcript variant (8).
Genome position (GRCh38, 1-based): chr3:3,147,542, T>A. VCF-style: chr3-3147542-T-A. GRCh37 (hg19) VCF-style: chr3-3189226-T-A.
Other names: c.835T>A, p.Leu279Ile (NM_001302946.2); c.895T>A, p.Leu299Ile (NM_001367321.1, NM_001367322.1, NM_001367323.1); short protein forms L279I, L299I.
Identifiers: ClinVar variation 1714263 (VCV001714263.5), dbSNP rs2471350573, ClinGen allele CA351447582.